The following is an entry in ClinVar:

ClinVar aggregate classification (germline): Uncertain significance (1 of 4 stars; one submission).

Conditions:
Mandibulofacial dysostosis-microcephaly syndrome (MFDGA). Also called: Mandibulofacial dysostosis, Guion-Almeida type; Growth and mental retardation, mandibulofacial dysostosis, microcephaly, and cleft palate. Identifiers: Orphanet 79113, MedGen C1864652, MONDO:0012516, OMIM 610536.

Allele frequency attached by ClinVar (database versions not stated): ESP Exome Variant Server 0.00008.

Submission:

Victorian Clinical Genetics Services, Murdoch Childrens Research Institute
Classification: Uncertain significance for Mandibulofacial dysostosis-microcephaly syndrome. Last evaluated: 2023-07-17. Review status: criteria provided, single submitter. Criteria: ACMG Guidelines, 2015. Collection method: clinical testing. Allele origin: germline. Inheritance: Autosomal dominant inheritance. Affected: no.
Comment: Based on the classification scheme VCGS_Germline_v1.3.4, this variant is classified as VUS-3A. Following criteria are met: 0102 - Loss of function is a known mechanism of disease in this gene and is associated with mandibulofacial dysostosis, Guion-Almeida type (MIM#610536). (I) 0107 - This gene is associated with autosomal dominant disease. (I) 0115 - Variants in this gene are known to have variable expressivity. Variable expressivity with variant transmission from parents with subclinical features has been reported (PMID: 33247512). (I) 0200 - Variant is predicted to result in a missense amino acid change from asparagine to lysine. (I) 0251 - This variant is heterozygous. (I) 0302 - Variant is present in gnomAD (v2) <0.001 for a dominant condition (1 heterozygote, 0 homozygotes). (SP) 0309 - An alternative amino acid change at the same position has been observed in gnomAD (v2) (1 heterozygote, 0 homozygotes). (I) 0502 - Missense variant with conflicting in silico predictions and uninformative conservation. (I) 0600 - Variant is located in the annotated elongation Factor G, domain III domain (DECIPHER). (I) 0705 - No comparable missense variants have previous evidence for pathogenicity. (I) 0807 - This variant has no previous evidence of pathogenicity. (I) 0905 - No published segregation evidence has been identified for this variant. (I) 1007 - No published functional evidence has been identified for this variant. (SP) Legend: (SP) - Supporting pathogenic, (I) - Information, (SB) - Supporting benign

Literature cited by the submitters: PubMed 33247512.

NM_004247.4(EFTUD2):c.1833C>A (p.Asn611Lys)

Gene: EFTUD2 (elongation factor Tu GTP binding domain containing 2; minus strand). Cytogenetic location: 17q21.31.
Variant type: single nucleotide variant.
Coding change: c.1833C>A on transcript NM_004247.4 (MANE Select); coding-DNA position 1833, C replaced by A.
Protein change: p.Asn611Lys; replaces asparagine 611 with lysine.
Molecular consequence: missense variant.
Genome position (GRCh38, 1-based): chr17:44,859,932, G>T on the plus strand (C>A on the coding strand, the complement: EFTUD2 is on the minus strand). VCF-style: chr17-44859932-G-T. GRCh37 (hg19) VCF-style: chr17-42937300-G-T.
Other names: c.1728C>A, p.Asn576Lys (NM_001142605.2); c.1833C>A, p.Asn611Lys (NM_001258353.2); c.1803C>A, p.Asn601Lys (NM_001258354.2); short protein forms N576K, N601K, N611K.
Identifiers: ClinVar variation 3254591 (VCV003254591.1), dbSNP rs137907318.